The following is an entry in ClinVar:

ClinVar aggregate classification (germline): Uncertain significance. Review status: criteria provided, multiple submitters, no conflicts (2 of 4 stars). 2 submissions from 2 submitters: Uncertain significance (2). Last evaluated 2024-05-26.

Conditions:
Charcot-Marie-Tooth disease type 2. Also called: Charcot-Marie-Tooth type 2. Identifiers: Orphanet 64746, MedGen C0270914, MONDO:0018993.

Allele frequency attached by ClinVar (database versions not stated): TOPMed 0.00001.

Submissions (2):

Ambry Genetics
Classification: Uncertain significance. Last evaluated: 2024-05-26. Review status: criteria provided, single submitter. Criteria: Ambry Variant Classification Scheme 2023. Collection method: clinical testing. Allele origin: germline.
Comment: The p.K987E variant (also known as c.2959A>G), located in coding exon 26 of the KIF1B gene, results from an A to G substitution at nucleotide position 2959. The lysine at codon 987 is replaced by glutamic acid, an amino acid with similar properties. This amino acid position is conserved. In addition, this alteration is predicted to be deleterious by in silico analysis. Since supporting evidence is limited at this time, the clinical significance of this alteration remains unclear.

Labcorp Genetics (formerly Invitae), Labcorp
Classification: Uncertain significance for Charcot-Marie-Tooth disease type 2. Last evaluated: 2021-11-19. Review status: criteria provided, single submitter. Criteria: Invitae Variant Classification Sherloc (09022015). Collection method: clinical testing. Allele origin: germline.
Comment: In summary, the available evidence is currently insufficient to determine the role of this variant in disease. Therefore, it has been classified as a Variant of Uncertain Significance. Algorithms developed to predict the effect of missense changes on protein structure and function are either unavailable or do not agree on the potential impact of this missense change (SIFT: "Deleterious"; PolyPhen-2: "Probably Damaging"; Align-GVGD: "Class C0"). This variant has not been reported in the literature in individuals affected with KIF1B-related conditions. This variant is not present in population databases (gnomAD no frequency). This sequence change replaces lysine, which is basic and polar, with glutamic acid, which is acidic and polar, at codon 987 of the KIF1B protein (p.Lys987Glu).

NM_001365951.3(KIF1B):c.3097A>G (p.Lys1033Glu)

Gene: KIF1B (kinesin family member 1B; plus strand). Cytogenetic location: 1p36.22.
Variant type: single nucleotide variant.
Coding change: c.3097A>G on transcript NM_001365951.3 (MANE Select); coding-DNA position 3097, A replaced by G.
Protein change: p.Lys1033Glu; replaces lysine 1033 with glutamic acid.
Molecular consequence: missense variant.
Genome position (GRCh38, 1-based): chr1:10,336,710, A>G. VCF-style: chr1-10336710-A-G. GRCh37 (hg19) VCF-style: chr1-10396768-A-G.
Other names: c.3097A>G, p.Lys1033Glu (NM_001365952.1); c.2959A>G, p.Lys987Glu (NM_015074.3); short protein forms K1033E, K987E.
Identifiers: ClinVar variation 1366707 (VCV001366707.9), dbSNP rs1279714159, ClinGen allele CA338339395.